The following is an entry in ClinVar:

ClinVar aggregate classification (germline): Uncertain significance (1 of 4 stars; one submission).

Conditions:
Emery-Dreifuss muscular dystrophy 5, autosomal dominant (EDMD5). Also called: EMERY-DREIFUSS MUSCULAR DYSTROPHY 5. Identifiers: Orphanet 261, MedGen C2751805, MONDO:0013072, OMIM 612999.

Allele frequency attached by ClinVar (database versions not stated): gnomAD exomes below 0.00001; ExAC 0.00001; gnomAD 0.00004; TOPMed 0.00005; ESP Exome Variant Server 0.00008.
gnomAD v4.1: 13 of 1,612,846 alleles (0.00081%); highest among the groups gnomAD compares: African/African-American, 0.016%; no homozygotes.

Submission:

Labcorp Genetics (formerly Invitae), Labcorp
Classification: Uncertain significance for Emery-Dreifuss muscular dystrophy 5, autosomal dominant. Last evaluated: 2024-11-19. Review status: criteria provided, single submitter. Criteria: Invitae Variant Classification Sherloc (09022015). Collection method: clinical testing. Allele origin: germline.
Comment: This sequence change falls in intron 20 of the SYNE2 gene. It does not directly change the encoded amino acid sequence of the SYNE2 protein. It affects a nucleotide within the consensus splice site. This variant is present in population databases (rs375196911, gnomAD 0.02%). This variant has not been reported in the literature in individuals affected with SYNE2-related conditions. ClinVar contains an entry for this variant (Variation ID: 1971165). Variants that disrupt the consensus splice site are a relatively common cause of aberrant splicing (PMID: 17576681, 9536098). Algorithms developed to predict the effect of sequence changes on RNA splicing suggest that this variant is not likely to affect RNA splicing. In summary, the available evidence is currently insufficient to determine the role of this variant in disease. Therefore, it has been classified as a Variant of Uncertain Significance.

Literature cited by the submitters: PubMed 17576681; PubMed 9536098.

NM_182914.3(SYNE2):c.2472+3C>A

Gene: SYNE2 (spectrin repeat containing nuclear envelope protein 2; plus strand). Cytogenetic location: 14q23.2.
Variant type: single nucleotide variant.
Coding change: c.2472+3C>A on transcript NM_182914.3 (MANE Select); 3 bases into the intron after coding-DNA position 2472, C replaced by A.
Molecular consequence: intron variant.
Genome position (GRCh38, 1-based): chr14:63,990,572, C>A. VCF-style: chr14-63990572-C-A. GRCh37 (hg19) VCF-style: chr14-64457290-C-A.
Other names: c.2472+3C>A (NM_015180.6).
Identifiers: ClinVar variation 1971165 (VCV001971165.5), dbSNP rs375196911, ClinGen allele CA7219692.